The following is an entry in ClinVar:

NM_001190274.2(FBXO11):c.1034C>T (p.Thr345Ile)

Gene: FBXO11 (F-box protein 11; minus strand). Cytogenetic location: 2p16.3.
Variant type: single nucleotide variant.
Coding change: c.1034C>T on transcript NM_001190274.2 (MANE Select); coding-DNA position 1034, C replaced by T.
Protein change: p.Thr345Ile; replaces threonine 345 with isoleucine.
Molecular consequence: missense variant.
Genome position (GRCh38, 1-based): chr2:47,832,971, G>A on the plus strand (C>T on the coding strand, the complement: FBXO11 is on the minus strand). VCF-style: chr2-47832971-G-A. GRCh37 (hg19) VCF-style: chr2-48060110-G-A.
Other names: c.782C>T, p.Thr261Ile (NM_001374325.1, NM_025133.4); short protein forms T345I, T261I.
Identifiers: ClinVar variation 1388104 (VCV001388104.8), dbSNP rs1672299444, ClinGen allele CA346766025.

ClinVar aggregate classification (germline): Uncertain significance (1 of 4 stars; one submission).

Allele frequency attached by ClinVar (database versions not stated): gnomAD 0.00001.
gnomAD v4.1: 1 of 1,608,762 alleles (0.000062%); highest among the groups gnomAD compares: African/African-American, 0.0013%; no homozygotes.

Submission:

Labcorp Genetics (formerly Invitae), Labcorp
Classification: Uncertain significance. Last evaluated: 2022-07-12. Review status: criteria provided, single submitter. Criteria: Invitae Variant Classification Sherloc (09022015). Collection method: clinical testing. Allele origin: germline.
Comment: Algorithms developed to predict the effect of missense changes on protein structure and function are either unavailable or do not agree on the potential impact of this missense change (SIFT: "Deleterious"; PolyPhen-2: "Possibly Damaging"; Align-GVGD: "Class C0"). ClinVar contains an entry for this variant (Variation ID: 1388104). This variant has not been reported in the literature in individuals affected with FBXO11-related conditions. This variant is not present in population databases (gnomAD no frequency). This sequence change replaces threonine, which is neutral and polar, with isoleucine, which is neutral and non-polar, at codon 345 of the FBXO11 protein (p.Thr345Ile). In summary, the available evidence is currently insufficient to determine the role of this variant in disease. Therefore, it has been classified as a Variant of Uncertain Significance.